The following is an entry in ClinVar:

NM_001384140.1(PCDH15):c.2487del (p.Glu830fs)

Gene: PCDH15 (protocadherin related 15; minus strand). Cytogenetic location: 10q21.1.
Variant type: Deletion.
Coding change: c.2487del on transcript NM_001384140.1 (MANE Select); coding-DNA position 2487, one base deleted (A; older notation c.2487delA).
Protein change: p.Glu830fs; shifts the reading frame from glutamic acid 830.
Molecular consequence: frameshift variant.
Genome position (GRCh38, 1-based): chr10:54,022,931, T deleted on the plus strand (A on the coding strand, the reverse complement: PCDH15 is on the minus strand); the first of 2 consecutive T bases (chr10:54,022,931-54,022,932); deleting either gives the same sequence. VCF-style (leftmost placement, unchanged base first): chr10-54022930-CT-C. GRCh37 (hg19) VCF-style: chr10-55782690-CT-C.
Other names: c.2502del, p.Glu835fs (NM_001142763.2, NM_001142771.2); c.2487del, p.Glu830fs (NM_001142764.2, NM_001142766.2, NM_001142770.3 and 5 more transcripts); c.2274del, p.Glu759fs (NM_001142765.2); c.2376del, p.Glu793fs (NM_001142767.2); c.2421del, p.Glu808fs (NM_001142768.2, NM_001142773.2, NM_001354404.2); c.2522delA, p.Glu842Argfs (NM_001142769.4); c.2508del, p.Glu837fs (NM_001354411.2); short protein forms E759fs, E793fs, E808fs, E830fs, E835fs, E837fs, E842fs.
Identifiers: ClinVar variation 5012431 (VCV005012431.1).

ClinVar aggregate classification (germline): Pathogenic (1 of 4 stars; one submission).

Conditions:
Usher syndrome type 1F (USH1F). Also called: USHER SYNDROME, TYPE IF. Identifiers: Orphanet 231169, Orphanet 886, MedGen C1865885, MONDO:0011186, OMIM 602083.

Submission:

Myriad Genetics, Inc.
Classification: Pathogenic for Usher syndrome type 1F. Last evaluated: 2023-10-25. Review status: criteria provided, single submitter. Criteria: Myriad Autosomal Dominant, Autosomal Recessive and X-Linked Classification Criteria (2023). Collection method: clinical testing. Allele origin: unknown.
Comment: NM_033056.3(PCDH15):c.2487delA(E830Rfs*12) is expected to be pathogenic in the context of PCDH15-related disorders. This variant is predicted to lead to an abnormal or absent protein product due to the creation of a premature termination codon in PCDH15, a gene where loss-of-function variants are known to be pathogenic. Please note: this variant was assessed in the context of healthy population screening.